The following is an entry in ClinVar:

ClinVar aggregate classification (germline): Uncertain significance (1 of 4 stars; one submission).

Allele frequency attached by ClinVar (database versions not stated): TOPMed below 0.00001.

Submission:

GeneDx
Classification: Uncertain significance. Last evaluated: 2021-11-30. Review status: criteria provided, single submitter. Criteria: GeneDx Variant Classification Process June 2021. Collection method: clinical testing. Allele origin: germline. Affected: yes.
Comment: Not observed in large population cohorts (Lek et al., 2016); In silico analysis supports that this missense variant does not alter protein structure/function; Has not been previously published as pathogenic or benign to our knowledge

NM_015335.5(MED13L):c.1195C>T (p.Pro399Ser)

Gene: MED13L (mediator complex subunit 13L; minus strand). Cytogenetic location: 12q24.21.
Variant type: single nucleotide variant.
Coding change: c.1195C>T on transcript NM_015335.5 (MANE Select); coding-DNA position 1195, C replaced by T.
Protein change: p.Pro399Ser; replaces proline 399 with serine.
Molecular consequence: missense variant.
Genome position (GRCh38, 1-based): chr12:116,012,882, G>A on the plus strand (C>T on the coding strand, the complement: MED13L is on the minus strand). VCF-style: chr12-116012882-G-A. GRCh37 (hg19) VCF-style: chr12-116450687-G-A.
Other names: short protein forms P399S.
Identifiers: ClinVar variation 1328706 (VCV001328706.2), dbSNP rs1879500574, ClinGen allele CA386898353.
Genomic context (GRCh38, chr12:116,012,882, plus strand): 5'-GGGTTGGATCCACAAAATCCCAAGTAGCAGGATTGCTAGCAGGCTCTTCTTCAAGAGTTG[G>A]AGTTGACATTTGGCTCCTCCTAAAAGGGTTAAAAATGTGACTTATGTGTGAACATAATAC-3'
Protein context (NP_056150.1, residues 389-409): TQSKRSQMST[Pro399Ser]TLEEEPASNP